The following is an entry in ClinVar:

ClinVar aggregate classification (germline): Uncertain significance (1 of 4 stars; one submission).

Conditions:
Autosomal recessive limb-girdle muscular dystrophy type 2A (LGMDR1). Also called: LEYDEN-MOEBIUS MUSCULAR DYSTROPHY; MUSCULAR DYSTROPHY, PELVOFEMORAL; Muscular dystrophy, limb-girdle, type 2A, Amish; Limb-girdle muscular dystrophy, type 2A; Calpainopathy. Identifiers: Orphanet 267, MedGen C1869123, MONDO:0009675, OMIM 253600. Disease mechanism: loss of function.

Allele frequency attached by ClinVar (database versions not stated): gnomAD exomes below 0.00001; TOPMed below 0.00001; gnomAD 0.00001.
gnomAD v4.1: 3 of 1,610,880 alleles (0.00019%); highest among the groups gnomAD compares: Non-Finnish European, 0.00025%; no homozygotes.

Submission:

Labcorp Genetics (formerly Invitae), Labcorp
Classification: Uncertain significance for Autosomal recessive limb-girdle muscular dystrophy type 2A. Last evaluated: 2023-02-09. Review status: criteria provided, single submitter. Criteria: Invitae Variant Classification Sherloc (09022015). Collection method: clinical testing. Allele origin: germline.
Comment: In summary, the available evidence is currently insufficient to determine the role of this variant in disease. Therefore, it has been classified as a Variant of Uncertain Significance. Algorithms developed to predict the effect of sequence changes on RNA splicing suggest that this variant may create or strengthen a splice site. This variant has not been reported in the literature in individuals affected with CAPN3-related conditions. This variant is not present in population databases (gnomAD no frequency). This sequence change falls in intron 21 of the CAPN3 gene. It does not directly change the encoded amino acid sequence of the CAPN3 protein.

NM_000070.3(CAPN3):c.2263+11G>C

Gene: CAPN3 (calpain 3; plus strand). Cytogenetic location: 15q15.1.
Variant type: single nucleotide variant.
Coding change: c.2263+11G>C on transcript NM_000070.3 (MANE Select); 11 bases into the intron after coding-DNA position 2263, G replaced by C.
Molecular consequence: intron variant.
Genome position (GRCh38, 1-based): chr15:42,410,677, G>C. VCF-style: chr15-42410677-G-C. GRCh37 (hg19) VCF-style: chr15-42702875-G-C.
Other names: c.2245+11G>C (NM_024344.2); c.1987+11G>C (NM_173087.2); c.727+11G>C (NM_173088.2); c.268+11G>C (NM_173090.2, NM_173089.2).
Identifiers: ClinVar variation 2915581 (VCV002915581.3), dbSNP rs1479325640, ClinGen allele CA712904187.